The following is an entry in ClinVar:

ClinVar aggregate classification (germline): Uncertain significance (1 of 4 stars; one submission).

Conditions:
Inborn genetic diseases. Identifiers: MedGen C0950123, MeSH D030342.

gnomAD v4.1: 2 of 1,614,184 alleles (0.00012%); highest among the groups gnomAD compares: Admixed American, 0.0017%; no homozygotes.

Submission:

Ambry Genetics
Classification: Uncertain significance for Inborn genetic diseases. Last evaluated: 2026-08-08. Review status: criteria provided, single submitter. Criteria: Ambry Variant Classification Scheme 2023. Collection method: clinical testing. Allele origin: germline.
Comment: The p.P1077R variant (also known as c.3230C>G), located in coding exon 13 of the ASXL1 gene, results from a C to G substitution at nucleotide position 3230. The proline at codon 1077 is replaced by arginine, an amino acid with dissimilar properties. This amino acid position is conserved. In addition, this alteration is predicted to be tolerated by in silico analysis. Based on the available evidence, the clinical significance of this variant remains unclear.

NM_015338.6(ASXL1):c.3230C>G (p.Pro1077Arg)

Gene: ASXL1 (ASXL transcriptional regulator 1; plus strand). Cytogenetic location: 20q11.21.
Variant type: single nucleotide variant.
Coding change: c.3230C>G on transcript NM_015338.6 (MANE Select); coding-DNA position 3230, C replaced by G.
Protein change: p.Pro1077Arg; replaces proline 1077 with arginine.
Molecular consequence: missense variant.
Genome position (GRCh38, 1-based): chr20:32,435,942, C>G. VCF-style: chr20-32435942-C-G. GRCh37 (hg19) VCF-style: chr20-31023745-C-G.
Other names: c.3047C>G, p.Pro1016Arg (NM_001363734.1); short protein forms P1016R, P1077R.
Identifiers: ClinVar variation 5030222 (VCV005030222.1).